The following is an entry in ClinVar:

NM_000548.5(TSC2):c.3273C>T (p.Gly1091=)

Gene: TSC2 (TSC complex subunit 2; plus strand). Cytogenetic location: 16p13.3.
Variant type: single nucleotide variant.
Coding change: c.3273C>T on transcript NM_000548.5 (MANE Select); coding-DNA position 3273, C replaced by T.
Protein change: p.Gly1091=; no amino-acid change (glycine 1091 retained).
Molecular consequence: synonymous variant.
Genome position (GRCh38, 1-based): chr16:2,079,417, C>T. VCF-style: chr16-2079417-C-T. GRCh37 (hg19) VCF-style: chr16-2129418-C-T.
Other names: c.3141C>T, p.Gly1047= (NM_001077183.3, NM_001370404.1); c.3273C>T, p.Gly1091= (NM_001114382.3); c.3033C>T, p.Gly1011= (NM_001318827.2); c.2997C>T, p.Gly999= (NM_001318829.2); c.2541C>T, p.Gly847= (NM_001318831.2); c.3174C>T, p.Gly1058= (NM_001318832.2); c.3144C>T, p.Gly1048= (NM_001363528.2, NM_001370405.1, NM_021055.3).
Identifiers: ClinVar variation 406117 (VCV000406117.19), dbSNP rs1060500971, ClinGen allele CA16614766.

ClinVar aggregate classification (germline): Benign/Likely benign. Review status: criteria provided, multiple submitters, no conflicts (2 of 4 stars). 5 submissions from 5 submitters: Benign (1); Likely benign (4). Last evaluated 2025-12-24.

Conditions:
Hereditary cancer-predisposing syndrome. Also called: Tumor predisposition; Neoplastic Syndromes, Hereditary; Hereditary Cancer Syndrome; Hereditary neoplastic syndrome. Identifiers: Orphanet 140162, MedGen C0027672, MeSH D009386, MONDO:0015356.
Tuberous sclerosis syndrome (TSC). Also called: Tuberous Sclerosis Complex; Tuberous sclerosis. Identifiers: Orphanet 805, MedGen C0041341, MONDO:0001734.
Tuberous sclerosis 2 (TSC2). Identifiers: Orphanet 805, MedGen C1860707, MONDO:0013199, OMIM 613254.

Allele frequency attached by ClinVar (database versions not stated): gnomAD exomes 0.00001.
gnomAD v4.1: 8 of 1,612,764 alleles (0.0005%); highest among the groups gnomAD compares: East Asian, 0.018%; no homozygotes.

Submissions (5):

Labcorp Genetics (formerly Invitae), Labcorp
Classification: Likely benign for Tuberous sclerosis 2. Last evaluated: 2025-12-24. Review status: criteria provided, single submitter. Criteria: Invitae Variant Classification Sherloc (09022015). Collection method: clinical testing. Allele origin: germline.

Color Diagnostics, LLC DBA Color Health
Classification: Likely benign for Tuberous sclerosis syndrome. Last evaluated: 2025-08-17. Review status: criteria provided, single submitter. Criteria: ACMG Guidelines, 2015. Collection method: clinical testing. Allele origin: germline.

Myriad Genetics, Inc.
Classification: Benign for Tuberous sclerosis 2. Last evaluated: 2025-05-28. Review status: criteria provided, single submitter. Criteria: Myriad Autosomal Dominant, Autosomal Recessive and X-Linked Classification Criteria (2023). Collection method: clinical testing. Allele origin: unknown.
Comment: This variant is considered benign. This variant is a silent/synonymous amino acid change and it is not expected to impact splicing.

Genome-Nilou Lab
Classification: Likely benign for Tuberous sclerosis 2. Last evaluated: 2021-11-07. Review status: criteria provided, single submitter. Criteria: ACMG Guidelines, 2015. Collection method: clinical testing. Allele origin: germline. Affected: no.

Ambry Genetics
Classification: Likely benign for Hereditary cancer-predisposing syndrome. Last evaluated: 2018-09-18. Review status: criteria provided, single submitter. Criteria: Ambry Variant Classification Scheme 2023. Collection method: clinical testing. Allele origin: germline.